The following is an entry in ClinVar:

ClinVar aggregate classification (germline): Uncertain significance. Review status: criteria provided, multiple submitters, no conflicts (2 of 4 stars). 2 submissions from 2 submitters: Uncertain significance (2). Last evaluated 2025-09-26.

Conditions:
Cardiovascular phenotype. Identifiers: MedGen CN230736.

Allele frequency attached by ClinVar (database versions not stated): gnomAD exomes 0.00003 and 0.00002; TOPMed 0.00005; gnomAD 0.00004 and 0.00003; ESP Exome Variant Server 0.00008.

Submissions (2):

Ambry Genetics
Classification: Uncertain significance for Cardiovascular phenotype. Last evaluated: 2025-09-26. Review status: criteria provided, single submitter. Criteria: Ambry Variant Classification Scheme 2023. Collection method: clinical testing. Allele origin: germline.

GeneDx
Classification: Uncertain significance. Last evaluated: 2021-11-24. Review status: criteria provided, single submitter. Criteria: GeneDx Variant Classification Process June 2021. Collection method: clinical testing. Allele origin: germline. Affected: yes.
Comment: Has not been previously published as pathogenic or benign to our knowledge; Not observed at significant frequency in large population cohorts (Lek et al., 2016); In silico analysis, which includes protein predictors and evolutionary conservation, supports a deleterious effect

NM_001365276.2(TNXB):c.602G>A (p.Arg201His)

Gene: TNXB (tenascin XB; minus strand). Cytogenetic location: 6p21.33.
Variant type: single nucleotide variant.
Coding change: c.602G>A on transcript NM_001365276.2 (MANE Select); coding-DNA position 602, G replaced by A.
Protein change: p.Arg201His; replaces arginine 201 with histidine.
Molecular consequence: missense variant.
Genome position (GRCh38, 1-based): chr6:32,097,251, C>T on the plus strand (G>A on the coding strand, the complement: TNXB is on the minus strand). VCF-style: chr6-32097251-C-T. GRCh37 (hg19) VCF-style: chr6-32065028-C-T.
Other names: c.602G>A, p.Arg201His (NM_019105.8); short protein forms R201H.
Identifiers: ClinVar variation 1199166 (VCV001199166.8), dbSNP rs367964663, ClinGen allele CA136906756.
Genomic context (GRCh38, chr6:32,097,251, plus strand): 5'-TCCCCGGGACAGGATGGCCAGCCACAGCTGGGGCCAGTGTAGCCGGGAAAGCACACGCAA[C>T]GACCACGGACACAGCGACCCTGATCATTGCAGTCATCTGGGCAGGACCCCGAGGCTGAGG-3'
Protein context (NP_001352205.1, residues 191-211): CNDQGRCVRG[Arg201His]CVCFPGYTGP